The following is an entry in ClinVar:

NM_000059.4(BRCA2):c.4523del (p.Gly1508fs)

Gene: BRCA2 (BRCA2 DNA repair associated; plus strand). Cytogenetic location: 13q13.1.
Variant type: Deletion.
Coding change: c.4523del on transcript NM_000059.4 (MANE Select); coding-DNA position 4523, one base deleted (G; older notation c.4523delG).
Protein change: p.Gly1508fs; shifts the reading frame from glycine 1508.
Molecular consequence: frameshift variant.
Genome position (GRCh38, 1-based): chr13:32,338,878, G deleted; the last of 3 consecutive G bases (chr13:32,338,876-32,338,878); deleting any one gives the same sequence. VCF-style (leftmost placement, unchanged base first): chr13-32338875-AG-A. GRCh37 (hg19) VCF-style: chr13-32913012-AG-A.
Other names: c.4523delG, p.Gly1508Aspfs (NM_001406719.1, NM_001406720.1); short protein forms G1508fs.
Identifiers: ClinVar variation 1741227 (VCV001741227.4), dbSNP rs1593902621, ClinGen allele CA2580087296.
Genomic context (GRCh38, chr13:32,338,875, plus strand): 5'-AACACAAAATACTGAAAGAAAGTGTCCCAGTTGGTACTGGAAATCAACTAGTGACCTTCC[AG>A]GGACAACCCGAACGTGATGAAAAGATCAAAGAACCTACTCTATTGGGTTTTCATACAGCT-3'

ClinVar aggregate classification (germline): Pathogenic. Review status: criteria provided, multiple submitters, no conflicts (2 of 4 stars). 2 submissions from 2 submitters: Pathogenic (2). Last evaluated 2024-11-29.

Conditions:
Hereditary cancer-predisposing syndrome. Also called: Hereditary Cancer Syndrome; Hereditary neoplastic syndrome; Neoplastic Syndromes, Hereditary; Tumor predisposition. Identifiers: Orphanet 140162, MedGen C0027672, MeSH D009386, MONDO:0015356.
Hereditary breast ovarian cancer syndrome. Also called: Hereditary breast and ovarian cancer syndrome (HBOC); Hereditary breast and ovarian cancer syndrome; Breast and ovarian cancer; Hereditary breast and/or ovarian cancer syndrome; Hereditary breast and ovarian cancer; BRCA1- and BRCA2-Associated Hereditary Breast and Ovarian Cancer. Identifiers: Orphanet 145, MedGen C0677776, MeSH D061325, MONDO:0003582. Disease mechanism: loss of function.

Submissions (2):

Labcorp Genetics (formerly Invitae), Labcorp
Classification: Pathogenic for Hereditary breast ovarian cancer syndrome. Last evaluated: 2024-11-29. Review status: criteria provided, single submitter. Criteria: Invitae Variant Classification Sherloc (09022015). Collection method: clinical testing. Allele origin: germline.
Comment: This sequence change creates a premature translational stop signal (p.Gly1508Aspfs*35) in the BRCA2 gene. It is expected to result in an absent or disrupted protein product. Loss-of-function variants in BRCA2 are known to be pathogenic (PMID: 20104584). This variant is not present in population databases (gnomAD no frequency). This premature translational stop signal has been observed in individual(s) with breast cancer (PMID: 35220195). This variant is also known as c.4521delG. ClinVar contains an entry for this variant (Variation ID: 1741227). For these reasons, this variant has been classified as Pathogenic.

Ambry Genetics
Classification: Pathogenic for Hereditary cancer-predisposing syndrome. Last evaluated: 2019-10-09. Review status: criteria provided, single submitter. Criteria: Ambry Variant Classification Scheme 2023. Collection method: clinical testing. Allele origin: germline.
Comment: The c.4523delG variant, located in coding exon 10 of the BRCA2 gene, results from a deletion of one nucleotide at nucleotide position 4523, causing a translational frameshift with a predicted alternate stop codon (p.G1508Dfs*35). This alteration is expected to result in loss of function by premature protein truncation or nonsense-mediated mRNA decay. As such, this alteration is interpreted as a disease-causing mutation.

Literature cited by the submitters: PubMed 20104584 (cited by Labcorp Genetics (formerly Invitae), Labcorp); PubMed 35220195 (cited by Labcorp Genetics (formerly Invitae), Labcorp).